The following is an entry in ClinVar:

NM_006017.3(PROM1):c.400C>G (p.Arg134Gly)

Gene: PROM1 (prominin 1; minus strand). Cytogenetic location: 4p15.32.
Variant type: single nucleotide variant.
Coding change: c.400C>G on transcript NM_006017.3 (MANE Select); coding-DNA position 400, C replaced by G.
Protein change: p.Arg134Gly; replaces arginine 134 with glycine.
Molecular consequence: missense variant.
Genome position (GRCh38, 1-based): chr4:16,033,413, G>C on the plus strand (C>G on the coding strand, the complement: PROM1 is on the minus strand). VCF-style: chr4-16033413-G-C. GRCh37 (hg19) VCF-style: chr4-16035036-G-C.
Other names: c.373C>G, p.Arg125Gly (NM_001145847.2, NM_001145848.2, NM_001145851.2 and 4 more transcripts); c.400C>G, p.Arg134Gly (NM_001145849.2, NM_001145850.2); short protein forms R125G, R134G.
Identifiers: ClinVar variation 2422095 (VCV002422095.7), dbSNP rs768526003, ClinGen allele CA356427718.

ClinVar aggregate classification (germline): Uncertain significance. Review status: criteria provided, multiple submitters, no conflicts (2 of 4 stars). 2 submissions from 2 submitters: Uncertain significance (2). Last evaluated 2026-01-04.

gnomAD v4.1: 3 of 1,613,576 alleles (0.00019%); highest among the groups gnomAD compares: Non-Finnish European, 0.00025%; no homozygotes.

Submissions (2):

Labcorp Genetics (formerly Invitae), Labcorp
Classification: Uncertain significance. Last evaluated: 2026-01-04. Review status: criteria provided, single submitter. Criteria: Invitae Variant Classification Sherloc (09022015). Collection method: clinical testing. Allele origin: germline.
Comment: This sequence change replaces arginine, which is basic and polar, with glycine, which is neutral and non-polar, at codon 134 of the PROM1 protein (p.Arg134Gly). This variant is not present in population databases (gnomAD no frequency). This missense change has been observed in individual(s) with clinical features of PROM1-related conditions (internal data). In at least one individual the data is consistent with being in trans (on the opposite chromosome) from a pathogenic variant. ClinVar contains an entry for this variant (Variation ID: 2422095). Invitae Evidence Modeling of protein sequence and biophysical properties (such as structural, functional, and spatial information, amino acid conservation, physicochemical variation, residue mobility, and thermodynamic stability) indicates that this missense variant is expected to disrupt PROM1 protein function with a positive predictive value of 80%. In summary, the available evidence is currently insufficient to determine the role of this variant in disease. Therefore, it has been classified as a Variant of Uncertain Significance.

Blueprint Genetics
Classification: Uncertain significance. Last evaluated: 2023-01-12. Review status: criteria provided, single submitter. Criteria: ACMG Guidelines, 2015. Collection method: clinical testing. Allele origin: germline.